The following is an entry in ClinVar:

NM_006904.7(PRKDC):c.37C>G (p.Leu13Val)

Genes: PRKDC (protein kinase, DNA-activated, catalytic subunit; minus strand), LOC129929030 (ATAC-STARR-seq lymphoblastoid silent region 19177; plus strand). Cytogenetic location: 8q11.21.
Variant type: single nucleotide variant.
Coding change: c.37C>G on transcript NM_006904.7 (MANE Select); coding-DNA position 37, C replaced by G.
Protein change: p.Leu13Val; replaces leucine 13 with valine.
Molecular consequence: missense variant.
Genome position (GRCh38, 1-based): chr8:47,960,090, G>C on the plus strand (C>G on the coding strand, the complement: PRKDC is on the minus strand). VCF-style: chr8-47960090-G-C. GRCh37 (hg19) VCF-style: chr8-48872650-G-C.
Other names: c.37C>G, p.Leu13Val (NM_001081640.2); short protein forms L13V.
Identifiers: ClinVar variation 542000 (VCV000542000.13), dbSNP rs761140462, ClinGen allele CA176153881.
Genomic context (GRCh38, chr8:47,960,090, plus strand): 5'-GATGACCGGCCAGGGCAGCACCGCAGCGGTCCGCAGCGGACAAGGTCTCCTGCAGCCGCA[G>C]CAGGGAGCAACGCACACCGGCTCCGGAGCCCGCCATGCCGCCGAGTCCCGCTCCCGCGCG-3'
Protein context (NP_008835.5, residues 3-23): GSGAGVRCSL[Leu13Val]RLQETLSAAD

ClinVar aggregate classification (germline): Uncertain significance. Review status: criteria provided, multiple submitters, no conflicts (2 of 4 stars). 2 submissions from 2 submitters: Uncertain significance (2). Last evaluated 2024-10-16.

Conditions:
Severe combined immunodeficiency due to DNA-PKcs deficiency. Also called: IMMUNODEFICIENCY 26 WITH NEUROLOGIC ABNORMALITIES; Immunodeficiency 26 with or without neurologic abnormalities. Identifiers: Orphanet 317425, MedGen C4014833, MONDO:0014423, OMIM 615966.

Allele frequency attached by ClinVar (database versions not stated): TOPMed 0.00003.

Submissions (2):

Labcorp Genetics (formerly Invitae), Labcorp
Classification: Uncertain significance for Severe combined immunodeficiency due to DNA-PKcs deficiency. Last evaluated: 2024-10-16. Review status: criteria provided, single submitter. Criteria: Invitae Variant Classification Sherloc (09022015). Collection method: clinical testing. Allele origin: germline.
Comment: This sequence change replaces leucine, which is neutral and non-polar, with valine, which is neutral and non-polar, at codon 13 of the PRKDC protein (p.Leu13Val). This variant is not present in population databases (gnomAD no frequency). This variant has not been reported in the literature in individuals affected with PRKDC-related conditions. ClinVar contains an entry for this variant (Variation ID: 542000). Experimental studies and prediction algorithms are not available or were not evaluated, and the functional significance of this variant is currently unknown. In summary, the available evidence is currently insufficient to determine the role of this variant in disease. Therefore, it has been classified as a Variant of Uncertain Significance.

Ambry Genetics
Classification: Uncertain significance. Last evaluated: 2021-08-08. Review status: criteria provided, single submitter. Criteria: Ambry Variant Classification Scheme 2023. Collection method: clinical testing. Allele origin: germline.
Comment: The p.L13V variant (also known as c.37C>G), located in coding exon 1 of the PRKDC gene, results from a C to G substitution at nucleotide position 37. The leucine at codon 13 is replaced by valine, an amino acid with highly similar properties. This amino acid position is conserved. In addition, this alteration is predicted to be tolerated by in silico analysis. Since supporting evidence is limited at this time, the clinical significance of this alteration remains unclear.